The following is an entry in ClinVar:

NM_000492.4(CFTR):c.3100C>T (p.Leu1034Phe)

Genes: CFTR (CF transmembrane conductance regulator; plus strand), CFTR-AS2 (CFTR antisense RNA 2; minus strand), LOC111674472 (DNase I hypersensitive sites in introns 16 and 17a of CFTR; plus strand). Cytogenetic location: 7q31.2.
Variant type: single nucleotide variant.
Coding change: c.3100C>T on transcript NM_000492.4 (MANE Select); coding-DNA position 3100, C replaced by T.
Protein change: p.Leu1034Phe; replaces leucine 1034 with phenylalanine.
Molecular consequence: missense variant.
Genome position (GRCh38, 1-based): chr7:117,610,630, C>T. VCF-style: chr7-117610630-C-T. GRCh37 (hg19) VCF-style: chr7-117250684-C-T.
Other names: short protein forms L1034F.
Identifiers: ClinVar variation 500752 (VCV000500752.11), dbSNP rs1554392043, ClinGen allele CA368990783.

ClinVar aggregate classification (germline): Uncertain significance. Review status: criteria provided, multiple submitters, no conflicts (2 of 4 stars). 4 submissions from 4 submitters: Uncertain significance (4). Last evaluated 2025-10-09.

Conditions:
Cystic fibrosis (CF). Also called: MUCOVISCIDOSIS. Identifiers: Orphanet 586, MedGen C0010674, MONDO:0009061, OMIM 219700. Disease mechanism: loss of function.

Allele frequency attached by ClinVar (database versions not stated): gnomAD exomes below 0.00001.
gnomAD v4.1: 6 of 1,613,502 alleles (0.00037%); highest among the groups gnomAD compares: Middle Eastern, 0.017%; no homozygotes.

Submissions (4):

Ambry Genetics
Classification: Uncertain significance for Cystic fibrosis. Last evaluated: 2025-10-09. Review status: criteria provided, single submitter. Criteria: Ambry Variant Classification Scheme 2023. Collection method: clinical testing. Allele origin: germline.
Comment: The p.L1034F variant (also known as c.3100C>T), located in coding exon 19 of the CFTR gene, results from a C to T substitution at nucleotide position 3100. The leucine at codon 1034 is replaced by phenylalanine, an amino acid with highly similar properties. This amino acid position is highly conserved in available vertebrate species. In addition, this alteration is predicted to be deleterious by in silico analysis. Based on the available evidence, the clinical significance of this variant remains unclear.

Revvity Omics, Revvity
Classification: Uncertain significance. Last evaluated: 2024-09-19. Review status: criteria provided, single submitter. Criteria: ACMG Guidelines, 2015. Collection method: clinical testing. Allele origin: germline.

Labcorp Genetics (formerly Invitae), Labcorp
Classification: Uncertain significance for Cystic fibrosis. Last evaluated: 2022-09-15. Review status: criteria provided, single submitter. Criteria: Invitae Variant Classification Sherloc (09022015). Collection method: clinical testing. Allele origin: germline.
Comment: This sequence change replaces leucine, which is neutral and non-polar, with phenylalanine, which is neutral and non-polar, at codon 1034 of the CFTR protein (p.Leu1034Phe). This variant is not present in population databases (gnomAD no frequency). This missense change has been observed in individual(s) with cystic fibrosis (PMID: 33572515). ClinVar contains an entry for this variant (Variation ID: 500752). Advanced modeling of protein sequence and biophysical properties (such as structural, functional, and spatial information, amino acid conservation, physicochemical variation, residue mobility, and thermodynamic stability) performed at Invitae indicates that this missense variant is expected to disrupt CFTR protein function. In summary, the available evidence is currently insufficient to determine the role of this variant in disease. Therefore, it has been classified as a Variant of Uncertain Significance.

Eurofins Ntd Llc (ga)
Classification: Uncertain significance. Last evaluated: 2017-03-08. Review status: criteria provided, single submitter. Criteria: EGL Classification Definitions 2015. Collection method: clinical testing. Allele origin: germline. Observed: 1 variant allele, 1 heterozygote.

Literature cited by the submitters: PubMed 33572515 (cited by Labcorp Genetics (formerly Invitae), Labcorp).